The following is an entry in ClinVar:

NM_001042492.3(NF1):c.2126G>T (p.Cys709Phe)

Gene: NF1 (neurofibromin 1; plus strand). Cytogenetic location: 17q11.2.
Variant type: single nucleotide variant.
Coding change: c.2126G>T on transcript NM_001042492.3 (MANE Select); coding-DNA position 2126, G replaced by T.
Protein change: p.Cys709Phe; replaces cysteine 709 with phenylalanine.
Molecular consequence: missense variant.
Genome position (GRCh38, 1-based): chr17:31,226,559, G>T. VCF-style: chr17-31226559-G-T. GRCh37 (hg19) VCF-style: chr17-29553577-G-T.
Other names: c.2126G>T, p.Cys709Phe (NM_000267.4); short protein forms C709F.
Identifiers: ClinVar variation 1786324 (VCV001786324.2), dbSNP rs864622547, ClinGen allele CA398982312.

ClinVar aggregate classification (germline): Uncertain significance (1 of 4 stars; one submission).

Conditions:
Hereditary cancer-predisposing syndrome. Also called: Neoplastic Syndromes, Hereditary; Tumor predisposition; Hereditary Cancer Syndrome; Hereditary neoplastic syndrome. Identifiers: Orphanet 140162, MedGen C0027672, MeSH D009386, MONDO:0015356.
Cardiovascular phenotype. Identifiers: MedGen CN230736.

Submission:

Ambry Genetics
Classification: Uncertain significance for Cardiovascular phenotype; Hereditary cancer-predisposing syndrome. Last evaluated: 2019-08-26. Review status: criteria provided, single submitter. Criteria: Ambry Variant Classification Scheme 2023. Collection method: clinical testing. Allele origin: germline.
Comment: The p.C709F variant (also known as c.2126G>T), located in coding exon 18 of the NF1 gene, results from a G to T substitution at nucleotide position 2126. The cysteine at codon 709 is replaced by phenylalanine, an amino acid with highly dissimilar properties. This amino acid position is highly conserved in available vertebrate species. In addition, this alteration is predicted to be deleterious by in silico analysis. Since supporting evidence is limited at this time, the clinical significance of this alteration remains unclear.